The following is an entry in ClinVar:

NM_020461.4(TUBGCP6):c.1529T>G (p.Leu510Arg)

Gene: TUBGCP6 (tubulin gamma complex component 6; minus strand). Cytogenetic location: 22q13.33.
Variant type: single nucleotide variant.
Coding change: c.1529T>G on transcript NM_020461.4 (MANE Select); coding-DNA position 1529, T replaced by G.
Protein change: p.Leu510Arg; replaces leucine 510 with arginine.
Molecular consequence: missense variant.
Genome position (GRCh38, 1-based): chr22:50,226,805, A>C on the plus strand (T>G on the coding strand, the complement: TUBGCP6 is on the minus strand). VCF-style: chr22-50226805-A-C. GRCh37 (hg19) VCF-style: chr22-50665234-A-C.
Other names: short protein forms L510R.
Identifiers: ClinVar variation 212506 (VCV000212506.9), dbSNP rs777796155, ClinGen allele CA208573.

ClinVar aggregate classification (germline): Uncertain significance. Review status: criteria provided, multiple submitters, no conflicts (2 of 4 stars). 2 submissions from 2 submitters: Uncertain significance (2). Last evaluated 2023-11-13.

Allele frequency attached by ClinVar (database versions not stated): TOPMed below 0.00001; gnomAD 0.00001; gnomAD exomes 0.00001; ExAC 0.00002.

Submissions (2):

Labcorp Genetics (formerly Invitae), Labcorp
Classification: Uncertain significance. Last evaluated: 2023-11-13. Review status: criteria provided, single submitter. Criteria: Invitae Variant Classification Sherloc (09022015). Collection method: clinical testing. Allele origin: germline.
Comment: This sequence change replaces leucine, which is neutral and non-polar, with arginine, which is basic and polar, at codon 510 of the TUBGCP6 protein (p.Leu510Arg). This variant is present in population databases (rs777796155, gnomAD 0.004%). This variant has not been reported in the literature in individuals affected with TUBGCP6-related conditions. ClinVar contains an entry for this variant (Variation ID: 212506). An algorithm developed to predict the effect of missense changes on protein structure and function (PolyPhen-2) suggests that this variant is likely to be disruptive. In summary, the available evidence is currently insufficient to determine the role of this variant in disease. Therefore, it has been classified as a Variant of Uncertain Significance.

Genetic Services Laboratory, University of Chicago
Classification: Uncertain significance. Last evaluated: 2015-04-02. Review status: criteria provided, single submitter. Criteria: ACMG Guidelines, 2015. Collection method: clinical testing. Allele origin: germline.